The following is an entry in ClinVar:

NM_002230.4(JUP):c.468G>A (p.Pro156=)

Gene: JUP (junction plakoglobin; minus strand). Cytogenetic location: 17q21.2.
Variant type: single nucleotide variant.
Coding change: c.468G>A on transcript NM_002230.4 (MANE Select); coding-DNA position 468, G replaced by A.
Protein change: p.Pro156=; no amino-acid change (proline 156 retained).
Molecular consequence: synonymous variant.
Genome position (GRCh38, 1-based): chr17:41,769,418, C>T on the plus strand (G>A on the coding strand, the complement: JUP is on the minus strand). VCF-style: chr17-41769418-C-T. GRCh37 (hg19) VCF-style: chr17-39925670-C-T.
Other names: 468G-A; c.468G>A, p.Pro156= (NM_001352773.2, NM_001352774.2, NM_001352775.2 and 3 more transcripts).
Identifiers: ClinVar variation 212749 (VCV000212749.18), dbSNP rs886037753, ClinGen allele CA10575789.

ClinVar aggregate classification (germline): Conflicting classifications of pathogenicity. Review status: criteria provided, conflicting classifications (1 of 4 stars). 5 submissions from 5 submitters: Likely pathogenic (1); Uncertain significance (3). 1 of the submissions does not count toward it. Last evaluated 2026-05-19.

Conditions:
Arrhythmogenic right ventricular dysplasia 12. Also called: ARRHYTHMOGENIC RIGHT VENTRICULAR DYSPLASIA, FAMILIAL, 12. Identifiers: MedGen C1969081, MONDO:0012684, OMIM 611528.
Naxos disease (NXD). Also called: KERATOSIS PALMOPLANTARIS WITH ARRHYTHMOGENIC CARDIOMYOPATHY; MAL DE NAXOS; PALMOPLANTAR KERATODERMA WITH ARRHYTHMOGENIC RIGHT VENTRICULAR CARDIOMYOPATHY AND WOOLLY HAIR; WOOLLY HAIR, PALMOPLANTAR KERATODERMA, AND CARDIAC ABNORMALITIES; CARDIOMYOPATHY, ARRHYTHMOGENIC RIGHT VENTRICULAR, WITH SKIN, HAIR, AND NAIL ABNORMALITIES. Identifiers: Orphanet 34217, MedGen C1832600, MONDO:0011017, OMIM 601214.
Cardiovascular phenotype. Identifiers: MedGen CN230736.

Allele frequency attached by ClinVar (database versions not stated): TOPMed 0.00003.
gnomAD v4.1: 10 of 1,610,584 alleles (0.00062%); highest among the groups gnomAD compares: Middle Eastern, 0.017%; no homozygotes.

Submissions (5):

Ambry Genetics
Classification: Uncertain significance for Cardiovascular phenotype. Last evaluated: 2026-05-19. Review status: criteria provided, single submitter. Criteria: Ambry Variant Classification Scheme 2023. Collection method: clinical testing. Allele origin: germline.
Comment: The c.468G>A variant (also known as p.P156P), located in coding exon 2 of the JUP gene, results from a G to A substitution at nucleotide position 468. This nucleotide substitution does not change the amino acid at codon 156. However, this change occurs in the last base pair of coding exon 2, which makes it likely to have some effect on normal mRNA splicing. This alteration has been reported in the homozygous state in four siblings from one family with cutaneous disease; their heterozygous parents were unaffected (Boente Mdel C et al. Br. J. Dermatol., 2016 Sep;175:644-6; Cabral RM et al. J. Invest. Dermatol., 2010 Jun;130:1543-50). This nucleotide position is highly conserved in available vertebrate species. In silico splice site analysis predicts that this alteration will weaken the native splice donor site and will result in the creation or strengthening of a novel splice donor site. Although biallelic loss of function of JUP has been associated with autosomal recessive Naxos disease, haploinsufficiency of JUP has not been established as a mechanism of disease for autosomal dominant arrhythmogenic right ventricular cardiomyopathy. Based on the supporting evidence, this variant is expected to be causative of autosomal recessive Naxos disease when present along with a second pathogenic variant on the other allele; however, its clinical significance for autosomal dominant arrhythmogenic right ventricular cardiomyopathy is unclear.

Dasa
Classification: Uncertain significance. Last evaluated: 2025-10-14. Review status: criteria provided, single submitter. Criteria: DASA Assertion Criteria. Collection method: clinical testing. Allele origin: germline.
Comment: NM_002230.4(JUP):c.468G>A (p.Pro156=) is a synonymous variant predicted not to alter the encoded amino acid sequence. Segregation data support an association with disease in the reported family/families. Functional evidence supports an impact on the gene or gene product. Also, this variant is rare in population databases. Computational prediction algorithms are consistent with a deleterious effect. The currently available literature and clinical evidence are not sufficient to establish a definitive association between this variant and the reported condition. Therefore, this variant is classified as a variant of uncertain significance.

Labcorp Genetics (formerly Invitae), Labcorp
Classification: Likely pathogenic for Arrhythmogenic right ventricular dysplasia 12; Naxos disease. Last evaluated: 2025-03-16. Review status: criteria provided, single submitter. Criteria: Invitae Variant Classification Sherloc (09022015). Collection method: clinical testing. Allele origin: germline.
Comment: This sequence change affects codon 156 of the JUP mRNA. It is a 'silent' change, meaning that it does not change the encoded amino acid sequence of the JUP protein. This variant also falls at the last nucleotide of exon 3, which is part of the consensus splice site for this exon. The frequency data for this variant in the population databases is considered unreliable, as metrics indicate poor data quality at this position in the gnomAD database. This variant has been observed in individuals with clinical features of autosomal recessive Naxos disease (PMID: 20130592, 32212272). It has also been observed to segregate with disease in related individuals. ClinVar contains an entry for this variant (Variation ID: 212749). Variants that disrupt the consensus splice site are a relatively common cause of aberrant splicing (PMID: 17576681, 9536098). Algorithms developed to predict the effect of sequence changes on RNA splicing suggest that this variant may disrupt the consensus splice site. In summary, the currently available evidence indicates that the variant is pathogenic, but additional data are needed to prove that conclusively. Therefore, this variant has been classified as Likely Pathogenic.

Fulgent Genetics
Classification: Uncertain significance for Naxos disease; Arrhythmogenic right ventricular dysplasia 12. Last evaluated: 2021-10-28. Review status: criteria provided, single submitter. Criteria: ACMG Guidelines, 2015. Collection method: clinical testing. Allele origin: unknown.

OMIM
Classification: Pathogenic for NAXOS DISEASE. Last evaluated: 2010-06-01. Review status: no assertion criteria provided. Collection method: literature only. Allele origin: germline. Not counted in ClinVar's aggregate classification.

Literature cited by the submitters: PubMed 20130592 (cited by 3 submitters); PubMed 27037756 (cited by Ambry Genetics and OMIM); PubMed 40233161 (cited by Ambry Genetics); PubMed 32212272 (cited by Labcorp Genetics (formerly Invitae), Labcorp and OMIM); PubMed 17576681 (cited by Labcorp Genetics (formerly Invitae), Labcorp); PubMed 9536098 (cited by Labcorp Genetics (formerly Invitae), Labcorp).